The following is an entry in ClinVar:

NM_014994.3(MAPKBP1):c.3230-3T>C

Gene: MAPKBP1 (mitogen-activated protein kinase binding protein 1; plus strand). Cytogenetic location: 15q15.1.
Variant type: single nucleotide variant.
Coding change: c.3230-3T>C on transcript NM_014994.3 (MANE Select); 3 bases into the intron before coding-DNA position 3230, T replaced by C.
Molecular consequence: intron variant.
Genome position (GRCh38, 1-based): chr15:41,822,590, T>C. VCF-style: chr15-41822590-T-C. GRCh37 (hg19) VCF-style: chr15-42114788-T-C.
Other names: c.3248-3T>C (NM_001128608.2); c.3230-3T>C (NM_001265611.2).
Identifiers: ClinVar variation 1965896 (VCV001965896.5), dbSNP rs751739218, ClinGen allele CA7498513.

ClinVar aggregate classification (germline): Uncertain significance (1 of 4 stars; one submission).

Allele frequency attached by ClinVar (database versions not stated): ExAC 0.00001.
gnomAD v4.1: 5 of 1,613,842 alleles (0.00031%); highest among the groups gnomAD compares: Admixed American, 0.0033%; no homozygotes.

Submission:

Labcorp Genetics (formerly Invitae), Labcorp
Classification: Uncertain significance. Last evaluated: 2022-08-20. Review status: criteria provided, single submitter. Criteria: Invitae Variant Classification Sherloc (09022015). Collection method: clinical testing. Allele origin: germline.
Comment: In summary, the available evidence is currently insufficient to determine the role of this variant in disease. Therefore, it has been classified as a Variant of Uncertain Significance. Variants that disrupt the consensus splice site are a relatively common cause of aberrant splicing (PMID: 17576681, 9536098). Algorithms developed to predict the effect of sequence changes on RNA splicing suggest that this variant is not likely to affect RNA splicing. This sequence change falls in intron 27 of the MAPKBP1 gene. It does not directly change the encoded amino acid sequence of the MAPKBP1 protein. It affects a nucleotide within the consensus splice site. This variant has not been reported in the literature in individuals affected with MAPKBP1-related conditions. This variant is present in population databases (rs751739218, gnomAD 0.003%).

Literature cited by the submitters: PubMed 17576681; PubMed 9536098.